The following is an entry in ClinVar:

ClinVar aggregate classification (germline): Uncertain significance (1 of 4 stars; one submission).

Conditions:
Osteogenesis imperfecta type I (OI1). Also called: Lobstein disease; OI, TYPE I; OSTEOGENESIS IMPERFECTA TARDA; OSTEOGENESIS IMPERFECTA WITH BLUE SCLERAE; Osteogenesis imperfecta type 1; Lobstein's Disease. Identifiers: Orphanet 216796, Orphanet 666, MedGen C0023931, MONDO:0008146, OMIM 166200. Disease mechanism: loss of function.
Ehlers-Danlos syndrome, classic type, 1 (EDSCL1). Also called: EDS I; EHLERS-DANLOS SYNDROME, GRAVIS TYPE; EHLERS-DANLOS SYNDROME, SEVERE CLASSIC TYPE; Ehlers-Danlos syndrome, type 1; Ehlers-Danlos Syndrome, Classic Type, COL5A1-Related. Identifiers: MedGen C0268335, MONDO:0019567, OMIM 130000.

gnomAD v4.1: 4 of 1,599,498 alleles (0.00025%); highest among the groups gnomAD compares: Non-Finnish European, 0.00034%; no homozygotes.

Submission:

Labcorp Genetics (formerly Invitae), Labcorp
Classification: Uncertain significance for Osteogenesis imperfecta type I; Ehlers-Danlos syndrome, classic type, 1. Last evaluated: 2023-04-08. Review status: criteria provided, single submitter. Criteria: Invitae Variant Classification Sherloc (09022015). Collection method: clinical testing. Allele origin: germline.
Comment: In summary, the available evidence is currently insufficient to determine the role of this variant in disease. Therefore, it has been classified as a Variant of Uncertain Significance. Advanced modeling of protein sequence and biophysical properties (such as structural, functional, and spatial information, amino acid conservation, physicochemical variation, residue mobility, and thermodynamic stability) performed at Invitae indicates that this missense variant is not expected to disrupt COL1A2 protein function. This variant has not been reported in the literature in individuals affected with COL1A2-related conditions. This variant is not present in population databases (gnomAD no frequency). This sequence change replaces valine, which is neutral and non-polar, with methionine, which is neutral and non-polar, at codon 630 of the COL1A2 protein (p.Val630Met).

NM_000089.4(COL1A2):c.1888G>A (p.Val630Met)

Gene: COL1A2 (collagen type I alpha 2 chain; plus strand). Cytogenetic location: 7q21.3.
Variant type: single nucleotide variant.
Coding change: c.1888G>A on transcript NM_000089.4 (MANE Select); coding-DNA position 1888, G replaced by A.
Protein change: p.Val630Met; replaces valine 630 with methionine.
Molecular consequence: missense variant.
Genome position (GRCh38, 1-based): chr7:94,417,748, G>A. VCF-style: chr7-94417748-G-A. GRCh37 (hg19) VCF-style: chr7-94047060-G-A.
Other names: short protein forms V630M.
Identifiers: ClinVar variation 2942018 (VCV002942018.3), dbSNP rs2484721777, ClinGen allele CA368222807.